The following is an entry in ClinVar:

ClinVar aggregate classification (germline): Pathogenic (1 of 4 stars; one submission).

Conditions:
Juvenile polyposis syndrome (JPS). Identifiers: Orphanet 2929, MedGen C0345893, MONDO:0017380, OMIM 174900.

Submission:

Labcorp Genetics (formerly Invitae), Labcorp
Classification: Pathogenic for Juvenile polyposis syndrome. Last evaluated: 2021-04-05. Review status: criteria provided, single submitter. Criteria: Invitae Variant Classification Sherloc (09022015). Collection method: clinical testing. Allele origin: germline.
Comment: This sequence change creates a premature translational stop signal (p.Arg120Glnfs*2) in the BMPR1A gene. It is expected to result in an absent or disrupted protein product. Loss-of-function variants in BMPR1A are known to be pathogenic (PMID: 11536076, 12417513). This variant is not present in population databases (ExAC no frequency). This variant has not been reported in the literature in individuals with BMPR1A-related conditions. For these reasons, this variant has been classified as Pathogenic.

Literature cited by the submitters: PubMed 11536076; PubMed 12417513.

NM_004329.3(BMPR1A):c.357_360del (p.Arg120fs)

Gene: BMPR1A (bone morphogenetic protein receptor type 1A; plus strand). Cytogenetic location: 10q23.2.
Variant type: Deletion.
Coding change: c.357_360del on transcript NM_004329.3 (MANE Select); coding-DNA positions 357 to 360, 4 bases deleted (CCGG; older notation c.357_360delCCGG).
Protein change: p.Arg120fs; shifts the reading frame from arginine 120.
Molecular consequence: frameshift variant.
Genome position (GRCh38, 1-based): chr10:86,899,817-86,899,820, CCGG deleted; deleting any 4 consecutive bases within chr10:86,899,816-86,899,820 gives the same sequence; the c. name uses the placement nearest the transcript's 3' end. VCF-style (leftmost placement, unchanged base first): chr10-86899815-CGCCG-C. GRCh37 (hg19) VCF-style: chr10-88659572-CGCCG-C.
Other names: short protein forms R120fs.
Identifiers: ClinVar variation 1416153 (VCV001416153.6), dbSNP rs2133453577, ClinGen allele CA2573145688.
Genomic context (GRCh38, chr10:86,899,815, plus strand): 5'-ACCAAACCATTTCTAATTTTATCATTACTCTTCTTTTAGGATTCTCCAAAAGCCCAGCTA[CGCCG>C]GACAATAGAATGTTGTCGGACCAATTTATGTAACCAGTATTTGCAACCCACACTGCCCCC-3'